The following is an entry in ClinVar:

NM_004727.3(SLC24A1):c.1611del (p.Phe538fs)

Gene: SLC24A1 (solute carrier family 24 member 1; plus strand). Cytogenetic location: 15q22.31.
Variant type: Deletion.
Coding change: c.1611del on transcript NM_004727.3 (MANE Select); coding-DNA position 1611, one base deleted (C; older notation c.1611delC).
Protein change: p.Phe538fs; shifts the reading frame from phenylalanine 538.
Molecular consequence: frameshift variant.
Genome position (GRCh38, 1-based): chr15:65,625,691, C deleted. VCF-style (leftmost placement, unchanged base first): chr15-65625690-TC-T. GRCh37 (hg19) VCF-style: chr15-65918028-TC-T.
Other names: c.1611del, p.Phe538fs (NM_001301031.1, NM_001301032.1, NM_001301033.2 and 1 more transcripts); short protein forms F538fs.
Identifiers: ClinVar variation 2749763 (VCV002749763.3), dbSNP rs2548359903, ClinGen allele CA2629042844.

ClinVar aggregate classification (germline): Pathogenic (1 of 4 stars; one submission).

Allele frequency attached by ClinVar (database versions not stated): gnomAD exomes 0.00001.

Submission:

Labcorp Genetics (formerly Invitae), Labcorp
Classification: Pathogenic. Last evaluated: 2023-08-03. Review status: criteria provided, single submitter. Criteria: Invitae Variant Classification Sherloc (09022015). Collection method: clinical testing. Allele origin: germline.
Comment: For these reasons, this variant has been classified as Pathogenic. This sequence change creates a premature translational stop signal (p.Phe538Leufs*32) in the SLC24A1 gene. It is expected to result in an absent or disrupted protein product. Loss-of-function variants in SLC24A1 are known to be pathogenic (PMID: 20850105, 26822852). This variant is not present in population databases (gnomAD no frequency). This variant has not been reported in the literature in individuals affected with SLC24A1-related conditions.

Literature cited by the submitters: PubMed 20850105; PubMed 26822852.